The following is an entry in ClinVar:

ClinVar aggregate classification (germline): Uncertain significance (1 of 4 stars; one submission).

Conditions:
Trichorhinophalangeal syndrome, type III (TRPS3). Also called: SUGIO-KAJII SYNDROME. Identifiers: Orphanet 77258, MedGen C1860823, OMIM 190351, MONDO:0008597.
Trichorhinophalangeal dysplasia type I (TRPS1). Also called: TRICHORHINOPHALANGEAL SYNDROME, TYPE I; TRPS I. Identifiers: Orphanet 77258, MedGen C0432233, MONDO:0008596, OMIM 190350.

gnomAD v4.1: 2 of 1,614,046 alleles (0.00012%); highest among the groups gnomAD compares: South Asian, 0.0011%; no homozygotes.

Submission:

Labcorp Genetics (formerly Invitae), Labcorp
Classification: Uncertain significance for Trichorhinophalangeal syndrome, type III; Trichorhinophalangeal dysplasia type I. Last evaluated: 2024-07-05. Review status: criteria provided, single submitter. Criteria: Invitae Variant Classification Sherloc (09022015). Collection method: clinical testing. Allele origin: germline.
Comment: This sequence change replaces proline, which is neutral and non-polar, with serine, which is neutral and polar, at codon 380 of the TRPS1 protein (p.Pro380Ser). This variant is present in population databases (no rsID available, gnomAD 0.0009%). This variant has not been reported in the literature in individuals affected with TRPS1-related conditions. Advanced modeling of protein sequence and biophysical properties (such as structural, functional, and spatial information, amino acid conservation, physicochemical variation, residue mobility, and thermodynamic stability) performed at Invitae indicates that this missense variant is not expected to disrupt TRPS1 protein function with a negative predictive value of 80%. In summary, the available evidence is currently insufficient to determine the role of this variant in disease. Therefore, it has been classified as a Variant of Uncertain Significance.

NM_014112.5(TRPS1):c.1138C>T (p.Pro380Ser)

Gene: TRPS1 (transcriptional repressor GATA binding 1; minus strand). Cytogenetic location: 8q23.3.
Variant type: single nucleotide variant.
Coding change: c.1138C>T on transcript NM_014112.5 (MANE Select); coding-DNA position 1138, C replaced by T.
Protein change: p.Pro380Ser; replaces proline 380 with serine.
Molecular consequence: missense variant.
Genome position (GRCh38, 1-based): chr8:115,604,831, G>A on the plus strand (C>T on the coding strand, the complement: TRPS1 is on the minus strand). VCF-style: chr8-115604831-G-A. GRCh37 (hg19) VCF-style: chr8-116617058-G-A.
Other names: c.1111C>T, p.Pro371Ser (NM_001282902.3); c.1117C>T, p.Pro373Ser (NM_001282903.3); c.1099C>T, p.Pro367Ser (NM_001330599.2); short protein forms P367S, P371S, P373S, P380S.
Identifiers: ClinVar variation 3749627 (VCV003749627.2).